The following is an entry in ClinVar:

ClinVar aggregate classification (germline): Uncertain significance (1 of 4 stars; one submission).

Allele frequency attached by ClinVar (database versions not stated): gnomAD exomes below 0.00001.
gnomAD v4.1: 2 of 1,488,844 alleles (0.00013%); highest among the groups gnomAD compares: Non-Finnish European, 0.00018%; no homozygotes.

Submission:

Labcorp Genetics (formerly Invitae), Labcorp
Classification: Uncertain significance. Last evaluated: 2022-03-15. Review status: criteria provided, single submitter. Criteria: Invitae Variant Classification Sherloc (09022015). Collection method: clinical testing. Allele origin: germline.
Comment: In summary, the available evidence is currently insufficient to determine the role of this variant in disease. Therefore, it has been classified as a Variant of Uncertain Significance. Algorithms developed to predict the effect of missense changes on protein structure and function are either unavailable or do not agree on the potential impact of this missense change (SIFT: "Tolerated"; PolyPhen-2: "Possibly Damaging"; Align-GVGD: "Class C0"). This variant has not been reported in the literature in individuals affected with RP9-related conditions. This variant is not present in population databases (gnomAD no frequency). This sequence change replaces glutamic acid, which is acidic and polar, with aspartic acid, which is acidic and polar, at codon 31 of the RP9 protein (p.Glu31Asp).

NM_203288.2(RP9):c.93G>C (p.Glu31Asp)

Genes: RP9 (RP9 pre-mRNA splicing factor; minus strand), LOC129998224 (ATAC-STARR-seq lymphoblastoid silent region 18089; plus strand). Cytogenetic location: 7p14.3.
Variant type: single nucleotide variant.
Coding change: c.93G>C on transcript NM_203288.2 (MANE Select); coding-DNA position 93, G replaced by C.
Protein change: p.Glu31Asp; replaces glutamic acid 31 with aspartic acid.
Molecular consequence: missense variant.
Genome position (GRCh38, 1-based): chr7:33,109,280, C>G on the plus strand (G>C on the coding strand, the complement: RP9 is on the minus strand). VCF-style: chr7-33109280-C-G. GRCh37 (hg19) VCF-style: chr7-33148892-C-G.
Other names: short protein forms E31D.
Identifiers: ClinVar variation 1933583 (VCV001933583.5), dbSNP rs1398340647, ClinGen allele CA367185299.